The following is an entry in ClinVar:

NM_006269.2(RP1):c.2825C>T (p.Thr942Met)

Gene: RP1 (RP1 axonemal microtubule associated; plus strand). Cytogenetic location: 8q12.1.
Variant type: single nucleotide variant.
Coding change: c.2825C>T on transcript NM_006269.2 (MANE Select); coding-DNA position 2825, C replaced by T.
Protein change: p.Thr942Met; replaces threonine 942 with methionine.
Molecular consequence: missense variant. On other transcripts: intron variant (1).
Genome position (GRCh38, 1-based): chr8:54,626,707, C>T. VCF-style: chr8-54626707-C-T. GRCh37 (hg19) VCF-style: chr8-55539267-C-T.
Other names: c.787+4419C>T (NM_001375654.1); short protein forms T942M.
Identifiers: ClinVar variation 908162 (VCV000908162.13), dbSNP rs112323560, ClinGen allele CA4751587.

ClinVar aggregate classification (germline): Conflicting classifications of pathogenicity. Review status: criteria provided, conflicting classifications (1 of 4 stars). 5 submissions from 5 submitters: Uncertain significance (4); Likely benign (1). Last evaluated 2026-06-09.

Conditions:
RP1-related disorder. Also called: RP1-related condition.
Inborn genetic diseases. Identifiers: MedGen C0950123, MeSH D030342.
Retinitis pigmentosa (RP). Identifiers: Orphanet 791, MedGen C0035334, MeSH D012174, MONDO:0019200, OMIM 268000. Inheritance: Autosomal dominant, autosomal recessive and X linked inheritance.

Allele frequency attached by ClinVar (database versions not stated): ExAC 0.00002; gnomAD exomes 0.00002 and 0.00007; TOPMed 0.00006; 1000 Genomes Project 30x 0.00016; 1000 Genomes Project 0.00020.
gnomAD v4.1: 117 of 1,613,846 alleles (0.0072%); highest among the groups gnomAD compares: African/African-American, 0.031%; no homozygotes.

Submissions (5):

PreventionGenetics, part of Exact Sciences
Classification: Uncertain significance for RP1-related condition. Last evaluated: 2026-06-09. Review status: criteria provided, single submitter. Criteria: ACMG Guidelines, 2015. Collection method: clinical testing. Allele origin: germline.
Comment: The RP1 c.2825C>T variant is predicted to result in the amino acid substitution p.Thr942Met. To our knowledge, this variant has not been reported in the literature. This variant is reported in 0.010% of alleles in individuals of East Asian descent in gnomAD. At this time, the clinical significance of this variant is uncertain due to the absence of conclusive functional and genetic evidence.

Labcorp Genetics (formerly Invitae), Labcorp
Classification: Uncertain significance. Last evaluated: 2025-01-08. Review status: criteria provided, single submitter. Criteria: Invitae Variant Classification Sherloc (09022015). Collection method: clinical testing. Allele origin: germline.
Comment: This sequence change replaces threonine, which is neutral and polar, with methionine, which is neutral and non-polar, at codon 942 of the RP1 protein (p.Thr942Met). This variant is present in population databases (rs112323560, gnomAD 0.01%). This variant has not been reported in the literature in individuals affected with RP1-related conditions. ClinVar contains an entry for this variant (Variation ID: 908162). An algorithm developed to predict the effect of missense changes on protein structure and function outputs the following: PolyPhen-2: "Benign". The methionine amino acid residue is found in multiple mammalian species, which suggests that this missense change does not adversely affect protein function. In summary, the available evidence is currently insufficient to determine the role of this variant in disease. Therefore, it has been classified as a Variant of Uncertain Significance.

Blueprint Genetics
Classification: Uncertain significance. Last evaluated: 2022-09-06. Review status: criteria provided, single submitter. Criteria: ACMG Guidelines, 2015. Collection method: clinical testing. Allele origin: germline.

Ambry Genetics
Classification: Likely benign for Inborn genetic diseases. Last evaluated: 2021-07-09. Review status: criteria provided, single submitter. Criteria: Ambry Variant Classification Scheme 2023. Collection method: clinical testing. Allele origin: germline.

Illumina Laboratory Services, Illumina
Classification: Uncertain significance for Retinitis pigmentosa. Last evaluated: 2018-01-13. Review status: criteria provided, single submitter. Criteria: ICSL Variant Classification Criteria 13 December 2019. Collection method: clinical testing. Allele origin: germline.